The following is an entry in ClinVar:

ClinVar aggregate classification (germline): Uncertain significance (1 of 4 stars; one submission).

Conditions:
Hereditary cancer-predisposing syndrome. Also called: Hereditary neoplastic syndrome; Neoplastic Syndromes, Hereditary; Tumor predisposition; Hereditary Cancer Syndrome. Identifiers: Orphanet 140162, MedGen C0027672, MeSH D009386, MONDO:0015356.

Submission:

Ambry Genetics
Classification: Uncertain significance for Hereditary cancer-predisposing syndrome. Last evaluated: 2024-12-20. Review status: criteria provided, single submitter. Criteria: Ambry Variant Classification Scheme 2023. Collection method: clinical testing. Allele origin: germline.
Comment: The p.N1394K variant (also known as c.4182C>G), located in coding exon 29 of the ALK gene, results from a C to G substitution at nucleotide position 4182. The asparagine at codon 1394 is replaced by lysine, an amino acid with similar properties. This amino acid position is conserved. In addition, this alteration is predicted to be tolerated by in silico analysis. Based on the available evidence, the clinical significance of this variant remains unclear.

NM_004304.5(ALK):c.4182C>G (p.Asn1394Lys)

Gene: ALK (ALK receptor tyrosine kinase; minus strand). Cytogenetic location: 2p23.2.
Variant type: single nucleotide variant.
Coding change: c.4182C>G on transcript NM_004304.5 (MANE Select); coding-DNA position 4182, C replaced by G.
Protein change: p.Asn1394Lys; replaces asparagine 1394 with lysine.
Molecular consequence: missense variant.
Genome position (GRCh38, 1-based): chr2:29,193,905, G>C on the plus strand (C>G on the coding strand, the complement: ALK is on the minus strand). VCF-style: chr2-29193905-G-C. GRCh37 (hg19) VCF-style: chr2-29416771-G-C.
Other names: c.978C>G, p.Asn326Lys (NM_001353765.2); short protein forms N1394K, N326K.
Identifiers: ClinVar variation 3854977 (VCV003854977.1).
Genomic context (GRCh38, chr2:29,193,905, plus strand): 5'-CCTCACAGGCACTTTCTCTTCCTCTTCCACAAGTGGACCATATTCTATCGGCAAAGCGGT[G>C]TTGATTACATCCGGGTCCTGCCGTAGGGGAAATTATTAAAACTTTGAATCAGAGACAAAA-3'
Protein context (NP_004295.2, residues 1384-1404): EYCTQDPDVI[Asn1394Lys]TALPIEYGPL